The following is an entry in ClinVar:

NM_001371279.1(REEP1):c.590G>T (p.Ser197Ile)

Gene: REEP1 (receptor accessory protein 1; minus strand). Cytogenetic location: 2p11.2.
Variant type: single nucleotide variant.
Coding change: c.590G>T on transcript NM_001371279.1 (MANE Select); coding-DNA position 590, G replaced by T.
Protein change: p.Ser197Ile; replaces serine 197 with isoleucine.
Molecular consequence: missense variant. On other transcripts: intron variant (1).
Genome position (GRCh38, 1-based): chr2:86,232,630, C>A on the plus strand (G>T on the coding strand, the complement: REEP1 is on the minus strand). VCF-style: chr2-86232630-C-A. GRCh37 (hg19) VCF-style: chr2-86459753-C-A.
Other names: c.611G>T, p.Ser204Ile (NM_001164730.2); c.509G>T, p.Ser170Ile (NM_001164731.2); c.355G>T, p.Ala119Ser (NM_001164732.2); c.590G>T, p.Ser197Ile (NM_001410855.1, NM_001410856.1, NM_022912.3); c.418-15520G>T (NM_001371280.1); short protein forms A119S, S170I, S197I, S204I.
Identifiers: ClinVar variation 3896968 (VCV003896968.1).

ClinVar aggregate classification (germline): Uncertain significance (1 of 4 stars; one submission).

Conditions:
Hereditary spastic paraplegia 31. Also called: SPASTIC PARAPLEGIA 31, AUTOSOMAL DOMINANT. Identifiers: Orphanet 101011, MedGen C1853247, MONDO:0012453, OMIM 610250.
Neuronopathy, distal hereditary motor, type 5B. Also called: HMN VB; DHMN VB; NEURONOPATHY, DISTAL HEREDITARY MOTOR, HARDING TYPE VB; NEUROPATHY, DISTAL HEREDITARY MOTOR, HARDING TYPE VB; SPINAL MUSCULAR ATROPHY, DISTAL, HARDING TYPE VB. Identifiers: Orphanet 139536, MedGen C3553656, MONDO:0013884, OMIM 614751.

gnomAD v4.1: 2 of 1,612,818 alleles (0.00012%); highest among the groups gnomAD compares: Non-Finnish European, 0.00017%; no homozygotes.

Submission:

Kariminejad - Najmabadi Pathology & Genetics Center
Classification: Uncertain significance for Neuronopathy, distal hereditary motor, type 5B; Hereditary spastic paraplegia 31. Last evaluated: 2020-02-15. Review status: criteria provided, single submitter. Criteria: ACMG Guidelines, 2015. Collection method: clinical testing. Allele origin: germline. Inheritance: Autosomal dominant inheritance. Affected: yes.
Comment: PM2, PP2, PP3